The following is an entry in ClinVar:

ClinVar aggregate classification (germline): Conflicting classifications of pathogenicity. Review status: criteria provided, conflicting classifications (1 of 4 stars). 5 submissions from 5 submitters: Uncertain significance (4); Likely benign (1). Last evaluated 2025-11-05.

Conditions:
ALK-related disorder. Also called: ALK-related condition.
Hereditary cancer-predisposing syndrome. Also called: Neoplastic Syndromes, Hereditary; Tumor predisposition; Hereditary Cancer Syndrome; Hereditary neoplastic syndrome. Identifiers: Orphanet 140162, MedGen C0027672, MeSH D009386, MONDO:0015356.
Neuroblastoma, susceptibility to, 3. Also called: ALK-Related Neuroblastic Tumor Susceptibility. Identifiers: Orphanet 635, MedGen C2751681, MONDO:0013083, OMIM 613014.

Allele frequency attached by ClinVar (database versions not stated): gnomAD exomes 0.00001 and 0.00003; TOPMed 0.00002; ExAC 0.00003; gnomAD 0.00003.

Submissions (5):

Labcorp Genetics (formerly Invitae), Labcorp
Classification: Uncertain significance for Neuroblastoma, susceptibility to, 3. Last evaluated: 2025-11-05. Review status: criteria provided, single submitter. Criteria: Invitae Variant Classification Sherloc (09022015). Collection method: clinical testing. Allele origin: germline.
Comment: This sequence change replaces proline, which is neutral and non-polar, with serine, which is neutral and polar, at codon 307 of the ALK protein (p.Pro307Ser). This variant is present in population databases (rs199790669, gnomAD 0.004%). This variant has not been reported in the literature in individuals affected with ALK-related conditions. ClinVar contains an entry for this variant (Variation ID: 538176). An algorithm developed to predict the effect of missense changes on protein structure and function outputs the following: PolyPhen-2: "Benign". The serine amino acid residue is found in multiple mammalian species, which suggests that this missense change does not adversely affect protein function. In summary, the available evidence is currently insufficient to determine the role of this variant in disease. Therefore, it has been classified as a Variant of Uncertain Significance.

Ambry Genetics
Classification: Likely benign for Hereditary cancer-predisposing syndrome. Last evaluated: 2024-12-19. Review status: criteria provided, single submitter. Criteria: Ambry Variant Classification Scheme 2023. Collection method: clinical testing. Allele origin: germline.

Baylor Genetics
Classification: Uncertain significance for Neuroblastoma, susceptibility to, 3. Last evaluated: 2024-03-01. Review status: criteria provided, single submitter. Criteria: ACMG Guidelines, 2015. Collection method: clinical testing. Allele origin: unknown.

GeneDx
Classification: Uncertain significance. Last evaluated: 2023-05-30. Review status: criteria provided, single submitter. Criteria: GeneDx Variant Classification Process June 2021. Collection method: clinical testing. Allele origin: germline. Affected: yes.
Comment: In silico analysis supports that this missense variant does not alter protein structure/function; Has not been previously published as pathogenic or benign to our knowledge

PreventionGenetics, part of Exact Sciences
Classification: Uncertain significance for ALK-related condition. Last evaluated: 2023-02-07. Review status: criteria provided, single submitter. Criteria: ACMG Guidelines, 2015. Collection method: clinical testing. Allele origin: germline.
Comment: The ALK c.919C>T variant is predicted to result in the amino acid substitution p.Pro307Ser. To our knowledge, this variant has not been reported in the literature. This variant is reported in 0.0047% of alleles in individuals of European (Non-Finnish) descent in gnomAD and is interpreted as uncertain significance in ClinVar. At this time, the clinical significance of this variant is uncertain due to the absence of conclusive functional and genetic evidence.

NM_004304.5(ALK):c.919C>T (p.Pro307Ser)

Gene: ALK (ALK receptor tyrosine kinase; minus strand). Cytogenetic location: 2p23.2.
Variant type: single nucleotide variant.
Coding change: c.919C>T on transcript NM_004304.5 (MANE Select); coding-DNA position 919, C replaced by T.
Protein change: p.Pro307Ser; replaces proline 307 with serine.
Molecular consequence: missense variant.
Genome position (GRCh38, 1-based): chr2:29,694,883, G>A on the plus strand (C>T on the coding strand, the complement: ALK is on the minus strand). VCF-style: chr2-29694883-G-A. GRCh37 (hg19) VCF-style: chr2-29917749-G-A.
Other names: short protein forms P307S.
Identifiers: ClinVar variation 538176 (VCV000538176.12), dbSNP rs199790669, ClinGen allele CA1594817.